The following is an entry in ClinVar:

NM_001352514.2(HLCS):c.886G>T (p.Glu296Ter)

Gene: HLCS (holocarboxylase synthetase; minus strand). Cytogenetic location: 21q22.13.
Variant type: single nucleotide variant.
Coding change: c.886G>T on transcript NM_001352514.2 (MANE Select); coding-DNA position 886, G replaced by T.
Protein change: p.Glu296Ter; replaces glutamic acid 296 with a stop codon.
Molecular consequence: nonsense. On other transcripts: non-coding transcript variant (2).
Genome position (GRCh38, 1-based): chr21:36,937,000, C>A on the plus strand (G>T on the coding strand, the complement: HLCS is on the minus strand). VCF-style: chr21-36937000-C-A. GRCh37 (hg19) VCF-style: chr21-38309300-C-A.
Other names: c.445G>T, p.Glu149Ter (NM_000411.8, NM_001242784.3, NM_001242785.2 and 4 more transcripts); short protein forms E149*, E296*.
Identifiers: ClinVar variation 984057 (VCV000984057.3), dbSNP rs760029192, ClinGen allele CA409913023.

ClinVar aggregate classification (germline): Likely pathogenic (1 of 4 stars; one submission).

Conditions:
Holocarboxylase synthetase deficiency. Also called: MULTIPLE CARBOXYLASE DEFICIENCY, EARLY ONSET. Identifiers: Orphanet 79242, MedGen C0268581, MONDO:0009666, OMIM 253270.

gnomAD v4.1: 1 of 1,613,978 alleles (0.000062%); highest among the groups gnomAD compares: Admixed American, 0.0017%; no homozygotes.

Submission:

Myriad Genetics, Inc.
Classification: Likely pathogenic for Holocarboxylase synthetase deficiency. Last evaluated: 2019-12-28. Review status: criteria provided, single submitter. Criteria: Myriad Women's Health Autosomal Recessive and X-Linked Classification Criteria (2019). Collection method: clinical testing. Allele origin: unknown.
Comment: NM_000411.6(HLCS):c.445G>T(E149*) is expected to be pathogenic in the context of holocarboxylase synthetase deficiency. This variant is predicted to lead to an abnormal or absent protein product due to the creation of a premature termination codon in HLCS, a gene where loss-of-function variants are known to be pathogenic. Please note: this variant was assessed in the context of healthy population screening.